The following is an entry in ClinVar:

NM_001382430.1(AKT1):c.773T>C (p.Val258Ala)

Gene: AKT1 (AKT serine/threonine kinase 1; minus strand). Cytogenetic location: 14q32.33.
Variant type: single nucleotide variant.
Coding change: c.773T>C on transcript NM_001382430.1 (MANE Select); coding-DNA position 773, T replaced by C.
Protein change: p.Val258Ala; replaces valine 258 with alanine.
Molecular consequence: missense variant.
Genome position (GRCh38, 1-based): chr14:104,773,510, A>G on the plus strand (T>C on the coding strand, the complement: AKT1 is on the minus strand). VCF-style: chr14-104773510-A-G. GRCh37 (hg19) VCF-style: chr14-105239847-A-G.
Other names: c.773T>C, p.Val258Ala (NM_001014431.2, NM_001014432.2, NM_001382431.1 and 3 more transcripts); short protein forms V258A.
Identifiers: ClinVar variation 3519074 (VCV003519074.1).

ClinVar aggregate classification (germline): Uncertain significance (1 of 4 stars; one submission).

Conditions:
Inborn genetic diseases. Identifiers: MedGen C0950123, MeSH D030342.

Submission:

Ambry Genetics
Classification: Uncertain significance for Inborn genetic diseases. Last evaluated: 2024-10-12. Review status: criteria provided, single submitter. Criteria: Ambry Variant Classification Scheme 2023. Collection method: clinical testing. Allele origin: germline.
Comment: The p.V258A variant (also known as c.773T>C), located in coding exon 8 of the AKT1 gene, results from a T to C substitution at nucleotide position 773. The valine at codon 258 is replaced by alanine, an amino acid with similar properties. This amino acid position is conserved. In addition, this alteration is predicted to be tolerated by in silico analysis. Based on the available evidence, the clinical significance of this variant remains unclear.